The following is an entry in ClinVar:

ClinVar aggregate classification (germline): Uncertain significance (1 of 4 stars; one submission).

Submission:

Women's Health and Genetics/Laboratory Corporation of America, LabCorp
Classification: Uncertain significance. Last evaluated: 2025-05-30. Review status: criteria provided, single submitter. Criteria: LabCorp Variant Classification Summary - May 2015. Collection method: clinical testing. Allele origin: germline.
Comment: Variant summary: FOXP1 c.1423A>T (p.Arg475Trp) results in a non-conservative amino acid change in the encoded protein sequence. Algorithms developed to predict the effect of missense changes on protein structure and function all suggest that this variant is likely to be disruptive. The variant was absent in 251334 control chromosomes. To our knowledge, no experimental evidence demonstrating an impact on protein function has been reported. No submitters have cited clinical-significance assessments for this variant to ClinVar. Based on the evidence outlined above, the variant was classified as VUS-possibly pathogenic.

NM_001349338.3(FOXP1):c.1423A>T (p.Arg475Trp)

Gene: FOXP1 (forkhead box P1; minus strand). Cytogenetic location: 3p13.
Variant type: single nucleotide variant.
Coding change: c.1423A>T on transcript NM_001349338.3 (MANE Select); coding-DNA position 1423, A replaced by T.
Protein change: p.Arg475Trp; replaces arginine 475 with tryptophan.
Molecular consequence: missense variant. On other transcripts: non-coding transcript variant (2).
Genome position (GRCh38, 1-based): chr3:70,977,648, T>A on the plus strand (A>T on the coding strand, the complement: FOXP1 is on the minus strand). VCF-style: chr3-70977648-T-A. GRCh37 (hg19) VCF-style: chr3-71026799-T-A.
Other names: c.1420A>T, p.Arg474Trp (NM_001244808.3, NM_001349341.3); c.1423A>T, p.Arg475Trp (NM_001244810.2, NM_001244814.3, NM_001244816.2 and 2 more transcripts); c.1195A>T, p.Arg399Trp (NM_001244812.3); c.1123A>T, p.Arg375Trp (NM_001244813.3, NM_001244815.2, NM_001349342.3); c.1120A>T, p.Arg374Trp (NM_001349337.2, NM_001349343.3, NM_001349344.3 and 1 more transcripts); short protein forms R374W, R375W, R399W, R474W, R475W.
Identifiers: ClinVar variation 3902691 (VCV003902691.1).
Genomic context (GRCh38, chr3:70,977,648, plus strand): 5'-TCCATGTACACATATACCTTCTGACAGAATTTCATATACTGTGTTATTTACTTACCTGCC[T>A]AATTAAAGATGCATATGTAAATGGTGGTCTAACTTCTGCGTTCTTATAAAATTCTTGGTT-3'
Protein context (NP_001336267.1, residues 465-485): RPPFTYASLI[Arg475Trp]QAILESPEKQ